The following is an entry in ClinVar:

NM_000939.4(POMC):c.272_280dup (p.Ser93_Ser94insAsnSerSer)

Gene: POMC (proopiomelanocortin; minus strand). Cytogenetic location: 2p23.3.
Variant type: Duplication.
Coding change: c.272_280dup on transcript NM_000939.4 (MANE Select); coding-DNA positions 272 to 280, 9 bases duplicated (ACAGCAGCA; older notation c.272_280dupACAGCAGCA).
Protein change: p.Ser93_Ser94insAsnSerSer.
Molecular consequence: inframe insertion.
Genome position (GRCh38, 1-based): chr2:25,161,605-25,161,613, TGCTGCTGT duplicated on the plus strand (ACAGCAGCA on the coding strand, the reverse complement: POMC is on the minus strand); duplicating any 9 consecutive bases within chr2:25,161,605-25,161,616 gives the same sequence; the c. name uses the placement nearest the transcript's 3' end. VCF-style (leftmost placement, unchanged base first): chr2-25161604-C-CTGCTGCTGT. GRCh37 (hg19) VCF-style: chr2-25384473-C-CTGCTGCTGT.
Other names: c.272_280dup, p.Ser93_Ser94insAsnSerSer (NM_001035256.3, NM_001319204.2, NM_001319205.2).
Identifiers: ClinVar variation 3354644 (VCV003354644.1).
Genomic context (GRCh38, chr2:25,161,604, plus strand): 5'-CCGCAGTCTTCGCCCGCTGAGACGTCCTCGCGCTTCTGCCCTGCGCCGCTGCTGCCGCTG[C>CTGCTGCTGT]TGCTGCTGTTGCGGCGGCCGAATCGGTCCCAGCGGAAGTGGCCCATGACGTACTTCCGGG-3'

ClinVar aggregate classification (germline): Uncertain significance (0 of 4 stars; one submission).

Conditions:
POMC-related disorder. Also called: POMC-related disorders; POMC-related condition.

Submission:

PreventionGenetics, part of Exact Sciences
Classification: Uncertain significance for POMC-related condition. Last evaluated: 2024-07-17. Review status: no assertion criteria provided. Collection method: clinical testing. Allele origin: germline.
Comment: The POMC c.272_280dup9 variant is predicted to result in an in-frame duplication (p.Asn91_Ser93dup). To our knowledge, this variant has not been reported in the literature. This variant is reported in 0.0017% of alleles in individuals of European (non-Finnish) descent in gnomAD. At this time, the clinical significance of this variant is uncertain due to the absence of conclusive functional and genetic evidence.